The following is an entry in ClinVar:

NM_003742.4(ABCB11):c.1907A>T (p.Glu636Val)

Gene: ABCB11 (ATP binding cassette subfamily B member 11; minus strand). Cytogenetic location: 2q31.1.
Variant type: single nucleotide variant.
Coding change: c.1907A>T on transcript NM_003742.4 (MANE Select); coding-DNA position 1907, A replaced by T.
Protein change: p.Glu636Val; replaces glutamic acid 636 with valine.
Molecular consequence: missense variant.
Genome position (GRCh38, 1-based): chr2:168,969,454, T>A on the plus strand (A>T on the coding strand, the complement: ABCB11 is on the minus strand). VCF-style: chr2-168969454-T-A. GRCh37 (hg19) VCF-style: chr2-169825964-T-A.
Other names: c.1907A>T (NM_003742.2); short protein forms E636V.
Identifiers: ClinVar variation 1974573 (VCV001974573.9), dbSNP rs199671371, ClinGen allele CA1951434.
Genomic context (GRCh38, chr2:168,969,454, plus strand): 5'-AAAGTCACTAGAGTGAAGTAAACACCTTTCCTTTCCAGTAATTCTTCATGGGTCCCTCTT[T>A]CCACTGCAGTGCCATGTTCAAAACCAATGATGGTATCTGCAGCTCTGACCGTAGACAAGC-3'
Protein context (NP_003733.2, residues 626-646): IIGFEHGTAV[Glu636Val]RGTHEELLER

ClinVar aggregate classification (germline): Conflicting classifications of pathogenicity. Review status: criteria provided, conflicting classifications (1 of 4 stars). 4 submissions from 4 submitters: Pathogenic (1); Likely pathogenic (1); Uncertain significance (1). 1 of the submissions does not count toward it. Last evaluated 2026-04-14.

Conditions:
ABCB11-related disorder. Also called: ABCB11-related condition.
Familial intrahepatic cholestasis. Identifiers: Orphanet 284385, MedGen CN296401, MONDO:0017290.

Allele frequency attached by ClinVar (database versions not stated): gnomAD 0.00001; 1000 Genomes Project 30x 0.00016; 1000 Genomes Project 0.00020.
gnomAD v4.1: 1 of 1,612,608 alleles (0.000062%); highest among the groups gnomAD compares: Admixed American, 0.0017%; no homozygotes.

Submissions (4):

Genomenon, Inc
Classification: Likely pathogenic for Familial intrahepatic cholestasis. Last evaluated: 2026-04-14. Review status: criteria provided, single submitter. Criteria: Genomenon Sequence Variant Interpretation Standards - Updated. Collection method: curation. Allele origin: germline. Affected: yes.
Comment: ABCB11 p.Glu636Val (c.1907A>T) is a missense variant that changes the amino acid at residue 636 from Glutamic acid to Valine. This variant has been observed in at least one proband with an ABCB11-related disorder (PMID:34942279). The variant was found to segregate with disease in at least one affected family (PMID:34942279). The presence of pathogenic or likely pathogenic missense variant(s) at the same amino acid position indicates that this residue is likely important for protein function. It is absent or not present at a significant frequency in gnomAD. In silico models predict that this variant is possibly or probably damaging. In conclusion, we classify ABCB11 p.Glu636Val (c.1907A>T) as a likely pathogenic variant.

Women's Health and Genetics/Laboratory Corporation of America, LabCorp
Classification: Uncertain significance. Last evaluated: 2025-07-08. Review status: criteria provided, single submitter. Criteria: LabCorp Variant Classification Summary - May 2015. Collection method: clinical testing. Allele origin: germline.
Comment: Variant summary: ABCB11 c.1907A>T (p.Glu636Val) results in a non-conservative amino acid change located in the ABC transporter-like, ATP-binding domain of the encoded protein sequence. Algorithms developed to predict the effect of missense changes on protein structure and function all suggest that this variant is likely to be disruptive. The variant allele was found at a frequency of 4e-06 in 247772 control chromosomes. c.1907A>T has been observed in individual(s) affected with progressive familial intrahepatic cholestasis (Minguez Rodriguez_2022). To our knowledge, no experimental evidence demonstrating an impact on protein function has been reported. However, a different variant affecting the same codon has been classified as likely pathogenic (c.1907A>G, p.Glu636Gly), supporting the critical relevance of codon 636 to ABCB11 protein function. These data suggest the variant may be associated with disease. The following publication has been ascertained in the context of this evaluation (PMID: 34942279). ClinVar contains an entry for this variant (Variation ID: 1974573). Based on the evidence outlined above, the variant was classified as VUS-possibly pathogenic.

Labcorp Genetics (formerly Invitae), Labcorp
Classification: Pathogenic. Last evaluated: 2023-11-17. Review status: criteria provided, single submitter. Criteria: Invitae Variant Classification Sherloc (09022015). Collection method: clinical testing. Allele origin: germline.
Comment: This sequence change replaces glutamic acid, which is acidic and polar, with valine, which is neutral and non-polar, at codon 636 of the ABCB11 protein (p.Glu636Val). This variant is not present in population databases (gnomAD no frequency). This missense change has been observed in individuals with progressive familial intrahepatic cholestasis (PMID: 34942279). ClinVar contains an entry for this variant (Variation ID: 1974573). Advanced modeling of protein sequence and biophysical properties (such as structural, functional, and spatial information, amino acid conservation, physicochemical variation, residue mobility, and thermodynamic stability) performed at Invitae indicates that this missense variant is expected to disrupt ABCB11 protein function with a positive predictive value of 95%. Algorithms developed to predict the effect of sequence changes on RNA splicing suggest that this variant may disrupt the consensus splice site. This variant disrupts the p.Glu636 amino acid residue in ABCB11. Other variant(s) that disrupt this residue have been determined to be pathogenic (PMID: 12717091, 34942279). This suggests that this residue is clinically significant, and that variants that disrupt this residue are likely to be disease-causing. For these reasons, this variant has been classified as Pathogenic.

PreventionGenetics, part of Exact Sciences
Classification: Uncertain significance for ABCB11-related condition. Last evaluated: 2024-06-25. Review status: no assertion criteria provided. Collection method: clinical testing. Allele origin: germline. Not counted in ClinVar's aggregate classification.
Comment: The ABCB11 c.1907A>T variant is predicted to result in the amino acid substitution p.Glu636Val. This variant, along with a second ABCB11 variant, has been reported in individuals with progressive familial intrahepatic cholestasis (Mínguez Rodríguez et al. 2022. PubMed ID: 34942279). This variant is reported in 0.0029% of alleles in individuals of Latino descent in gnomAD. Although we suspect that this variant may be pathogenic, at this time, the clinical significance of this variant is uncertain due to the absence of conclusive functional and genetic evidence.

Literature cited by the submitters: PubMed 34942279 (cited by 3 submitters); PubMed 12717091 (cited by Labcorp Genetics (formerly Invitae), Labcorp).